The following is an entry in ClinVar:

NM_001876.4(CPT1A):c.941C>T (p.Thr314Ile)

Gene: CPT1A (carnitine palmitoyltransferase 1A; minus strand). Cytogenetic location: 11q13.3.
Variant type: single nucleotide variant.
Coding change: c.941C>T on transcript NM_001876.4 (MANE Select); coding-DNA position 941, C replaced by T.
Protein change: p.Thr314Ile; replaces threonine 314 with isoleucine.
Molecular consequence: missense variant.
Genome position (GRCh38, 1-based): chr11:68,793,341, G>A on the plus strand (C>T on the coding strand, the complement: CPT1A is on the minus strand). VCF-style: chr11-68793341-G-A. GRCh37 (hg19) VCF-style: chr11-68560809-G-A.
Other names: c.941C>T, p.Thr314Ile (NM_001031847.3); short protein forms T314I.
Identifiers: ClinVar variation 65657 (VCV000065657.7), dbSNP rs80356776, ClinGen allele CA344989.
Genomic context (GRCh38, chr11:68,793,341, plus strand): 5'-ATTCTCCAGGGGGCCCTGAAGAAGCTTGACTCACCTGTCTCCTCTCCTGGGATCCGGGAA[G>A]TATTAAACATCCGCTCCCACTGAGCGGAGCAGAGTGGAATCGTGGATCCCAAAAGACGAA-3'
Protein context (NP_001867.2, residues 304-324): CSAQWERMFN[Thr314Ile]SRIPGEETDT

ClinVar aggregate classification (germline): Likely pathogenic. Review status: criteria provided, single submitter (1 of 4 stars). 2 submissions from 2 submitters: Likely pathogenic (1). 1 of the submissions does not count toward it. Last evaluated 2024-12-17.

Conditions:
Carnitine palmitoyl transferase 1A deficiency. Also called: Carnitine palmitoyltransferase 1A deficiency; CPT deficiency, hepatic, type IA; Carnitine palmitoyltransferase type I deficiency; CPT I DEFICIENCY; CPT DEFICIENCY, HEPATIC, TYPE I. Identifiers: Orphanet 156, MedGen C1829703, MONDO:0009705, OMIM 255120.

Allele frequency attached by ClinVar (database versions not stated): gnomAD exomes below 0.00001.
gnomAD v4.1: 6 of 1,611,910 alleles (0.00037%); highest among the groups gnomAD compares: Non-Finnish European, 0.00051%; no homozygotes.

Submissions (2):

Women's Health and Genetics/Laboratory Corporation of America, LabCorp
Classification: Likely pathogenic for Carnitine palmitoyl transferase 1A deficiency. Last evaluated: 2024-12-17. Review status: criteria provided, single submitter. Criteria: LabCorp Variant Classification Summary - May 2015. Collection method: clinical testing. Allele origin: germline.
Comment: Variant summary: CPT1A c.941C>T (p.Thr314Ile) results in a non-conservative amino acid change located in the Choline/Carnitine o-acyltransferase domain (IPR039551) of the encoded protein sequence. Five of five in-silico tools predict a damaging effect of the variant on protein function. The variant was absent in 248962 control chromosomes. c.941C>T has been reported in the homozygous state in the literature in at least 1 individual affected with Carnitine Palmitoyltransferase I Deficiency (example, Stoler_2004). These data indicate that the variant may be associated with disease. At least one publication reports experimental evidence evaluating an impact on protein function. The most pronounced variant effect results in complete loss of any detectable enzyme activity in patient fibroblasts (Stoler_2004). The following publication has been ascertained in the context of this evaluation (PMID: 15669684). ClinVar contains an entry for this variant (Variation ID: 65657). Based on the evidence outlined above, the variant was classified as likely pathogenic.

GeneReviews
No classification provided. Condition: Carnitine palmitoyl transferase 1A deficiency. Review status: no classification provided. Collection method: literature only. Allele origin: germline. Not counted in ClinVar's aggregate classification.

Literature cited by the submitters: PubMed 15669684 (cited by Women's Health and Genetics/Laboratory Corporation of America, LabCorp); NCBI Bookshelf NBK1527 (cited by GeneReviews).